The following is an entry in ClinVar:

NM_203447.4(DOCK8):c.1797+387A>G

Gene: DOCK8 (dedicator of cytokinesis 8; plus strand). Cytogenetic location: 9p24.3.
Variant type: single nucleotide variant.
Coding change: c.1797+387A>G on transcript NM_203447.4 (MANE Select); 387 bases into the intron after coding-DNA position 1797, A replaced by G.
Molecular consequence: intron variant.
Genome position (GRCh38, 1-based): chr9:368,522, A>G. VCF-style: chr9-368522-A-G. GRCh37 (hg19) VCF-style: chr9-368522-A-G.
Other names: c.1593+387A>G (NM_001193536.2, NM_001190458.2).
Identifiers: ClinVar variation 669671 (VCV000669671.2), dbSNP rs76593253, ClinGen allele CA13091972.

ClinVar aggregate classification (germline): Benign. Review status: criteria provided, multiple submitters, no conflicts (2 of 4 stars). 2 submissions from 2 submitters: Benign (2). Last evaluated 2018-06-16.

Allele frequency attached by ClinVar (database versions not stated): gnomAD 0.05421 and 0.05813; TOPMed 0.06143; 1000 Genomes Project 0.06170.
gnomAD v4.1: 11,178 of 536,728 alleles (2.1%); highest among the groups gnomAD compares: African/African-American, 19%; 955 homozygotes.

Submissions (2):

GeneDx
Classification: Benign. Last evaluated: 2018-06-16. Review status: criteria provided, single submitter. Criteria: GeneDx Variant Classification (06012015). Collection method: clinical testing. Allele origin: germline. Affected: yes.
Comment: This variant is considered likely benign or benign based on one or more of the following criteria: it is a conservative change, it occurs at a poorly conserved position in the protein, it is predicted to be benign by multiple in silico algorithms, and/or has population frequency not consistent with disease.

Breakthrough Genomics
Classification: Benign. Review status: criteria provided, single submitter. Criteria: ACMG Guidelines, 2015. Collection method: not provided. Allele origin: germline. Inheritance: Autosomal recessive inheritance. Affected: yes.